The following is an entry in ClinVar:

NM_001080517.3(SETD5):c.1918C>T (p.Gln640Ter)

Gene: SETD5 (SET domain containing 5; plus strand). Cytogenetic location: 3p25.3.
Variant type: single nucleotide variant.
Coding change: c.1918C>T on transcript NM_001080517.3 (MANE Select); coding-DNA position 1918, C replaced by T.
Protein change: p.Gln640Ter; replaces glutamine 640 with a stop codon.
Molecular consequence: nonsense.
Genome position (GRCh38, 1-based): chr3:9,447,821, C>T. VCF-style: chr3-9447821-C-T. GRCh37 (hg19) VCF-style: chr3-9489505-C-T.
Other names: c.1624C>T, p.Gln542Ter (NM_001292043.2, NM_001349451.2); short protein forms Q640*, Q542*.
Identifiers: ClinVar variation 971380 (VCV000971380.7), dbSNP rs2042191795, ClinGen allele CA351698350.
Genomic context (GRCh38, chr3:9,447,821, plus strand): 5'-TCTCGGTACAGGACCAGTTCAGCCCAAAGACTAAAGCGTCAGAAGCAGGCCAATGCACAG[C>T]AGGCAGAATTGTCACAAGCTGCCTTGGAAGAGGGAGGAAGTAACAGTTTAGTAACTCCTA-3'

ClinVar aggregate classification (germline): Pathogenic/Likely pathogenic. Review status: criteria provided, multiple submitters, no conflicts (2 of 4 stars). 2 submissions from 2 submitters: Pathogenic (1); Likely pathogenic (1). Last evaluated 2025-12-11.

Conditions:
Intellectual disability-facial dysmorphism syndrome due to SETD5 haploinsufficiency (MRD23). Also called: Intellectual developmental disorder, autosomal dominant 23. Identifiers: Orphanet 404440, MedGen C3810406, MONDO:0014336, OMIM 615761.

Submissions (2):

Medical and Scientific Branch, Hong Kong Genome Institute
Classification: Likely pathogenic for Intellectual disability-facial dysmorphism syndrome due to SETD5 haploinsufficiency. Last evaluated: 2025-12-11. Review status: criteria provided, single submitter. Criteria: ACMG Guidelines, 2015. Collection method: clinical testing. Allele origin: germline. Affected: yes.

Labcorp Genetics (formerly Invitae), Labcorp
Classification: Pathogenic. Last evaluated: 2019-10-04. Review status: criteria provided, single submitter. Criteria: Invitae Variant Classification Sherloc (09022015). Collection method: clinical testing. Allele origin: germline.
Comment: For these reasons, this variant has been classified as Pathogenic. Loss-of-function variants in SETD5 are known to be pathogenic (PMID: 24680889). Algorithms developed to predict the effect of sequence changes on RNA splicing suggest that this variant may create or strengthen a splice site, but this prediction has not been confirmed by published transcriptional studies. This variant has not been reported in the literature in individuals with SETD5-related conditions. This variant is not present in population databases (ExAC no frequency). This sequence change creates a premature translational stop signal (p.Gln640*) in the SETD5 gene. It is expected to result in an absent or disrupted protein product.

Literature cited by the submitters: PubMed 24680889 (cited by Labcorp Genetics (formerly Invitae), Labcorp).